The following is an entry in ClinVar:

NM_001904.4(CTNNB1):c.82_83del (p.Gln28fs)

Genes: CTNNB1 (catenin beta 1; plus strand), LOC126806658 (BRD4-independent group 4 enhancer GRCh37_chr3:41265899-41267098; plus strand). Cytogenetic location: 3p22.1.
Variant type: Deletion.
Coding change: c.82_83del on transcript NM_001904.4 (MANE Select); coding-DNA positions 82 to 83, 2 bases deleted (CA; older notation c.82_83delCA).
Protein change: p.Gln28fs; shifts the reading frame from glutamine 28.
Molecular consequence: frameshift variant.
Genome position (GRCh38, 1-based): chr3:41,224,594-41,224,595, CA deleted; deleting any 2 consecutive bases within chr3:41,224,593-41,224,595 gives the same sequence; the c. name uses the placement nearest the transcript's 3' end. VCF-style (leftmost placement, unchanged base first): chr3-41224592-AAC-A. GRCh37 (hg19) VCF-style: chr3-41266083-AAC-A.
Other names: c.82_83del, p.Gln28fs (NM_001098209.2, NM_001098210.2, NM_001438871.1 and 4 more transcripts); c.61_62del, p.Gln21fs (NM_001330729.2); short protein forms Q21fs, Q28fs.
Identifiers: ClinVar variation 4294485 (VCV004294485.1).

ClinVar aggregate classification (germline): Pathogenic (1 of 4 stars; one submission).

Conditions:
Severe intellectual disability-progressive spastic diplegia syndrome (NEDSDV). Also called: NEURODEVELOPMENTAL DISORDER WITH SPASTIC DIPLEGIA AND VISUAL DEFECTS; CTNNB1 Neurodevelopmental Disorder. Identifiers: Orphanet 404473, MedGen C3554449, MONDO:0014035, OMIM 615075.

Submission:

Molecular Genetics Department, Kulakov National Medical Research Center for Obstetrics, Gynecology and Perinatology
Classification: Pathogenic for Severe intellectual disability-progressive spastic diplegia syndrome. Review status: criteria provided, single submitter. Criteria: ACMG Guidelines, 2015. Collection method: clinical testing. Allele origin: de novo. Affected: yes. Observed: 1 variant allele.
Comment: A previously undescribed heterozygous nucleotide variant creates a frameshift p.Gln28ValfsTer21 in the CTNNB1 gene. Heterozygous variants are reported in patients with Neurodevelopmental disorder with spastic diplegia and visual defects, 6150750. The variant is not present in population database (gnomAD no frequency). Sanger sequencing revealed that the variant arose de novo (parentage confirmed). In summary, this variant has been classified as pathogenic.